The following is an entry in ClinVar:

ClinVar aggregate classification (germline): Conflicting classifications of pathogenicity. Review status: criteria provided, conflicting classifications (1 of 4 stars). 10 submissions from 10 submitters: Uncertain significance (9); Likely benign (1). Last evaluated 2026-06-23.

Conditions:
Inborn genetic diseases. Identifiers: MedGen C0950123, MeSH D030342.
Charcot-Marie-Tooth disease type 4. Also called: Charcot-Marie-Tooth, Type 4; Charcot-Marie-Tooth disease, type IV. Identifiers: Orphanet 64749, MedGen C4082197, MONDO:0018995.
PRX-related disorder. Also called: PRX-related condition; PRX-Related Disorders.
Charcot-Marie-Tooth disease type 4F. Also called: Charcot-Marie-Tooth disease, demyelinating, type 4F. Identifiers: Orphanet 99952, MedGen C3540453, MONDO:0013959, OMIM 614895.

Allele frequency attached by ClinVar (database versions not stated): gnomAD 0.00017 and 0.00019; TOPMed 0.00019; gnomAD exomes 0.00024 and 0.00032; ExAC 0.00036; ESP Exome Variant Server 0.00046.
gnomAD v4.1: 393 of 1,614,048 alleles (0.024%); highest among the groups gnomAD compares: Non-Finnish European, 0.029%; no homozygotes.

Submissions (10):

PreventionGenetics, part of Exact Sciences
Classification: Uncertain significance for PRX-related condition. Last evaluated: 2026-06-23. Review status: criteria provided, single submitter. Criteria: ACMG Guidelines, 2015. Collection method: clinical testing. Allele origin: germline.
Comment: The PRX c.3209G>A variant is predicted to result in the amino acid substitution p.Arg1070Gln. To our knowledge, this variant has not been reported in the literature. This variant is reported in 0.052% of alleles in individuals of European (non-Finnish) descent in gnomAD. Although we suspect that this variant may be benign, at this time, the clinical significance of this variant is uncertain due to the absence of conclusive functional and genetic evidence.

CeGaT Center for Human Genetics Tuebingen
Classification: Likely benign. Last evaluated: 2026-01-01. Review status: criteria provided, single submitter. Criteria: CeGaT Center For Human Genetics Tuebingen Variant Classification Criteria Version 2. Collection method: clinical testing. Allele origin: germline. Affected: yes. Observed: 2 variant alleles.
Comment: PRX: BP4

Mayo Clinic Laboratories, Mayo Clinic
Classification: Uncertain significance. Last evaluated: 2025-09-30. Review status: criteria provided, single submitter. Criteria: ACMG Guidelines, 2015. Collection method: clinical testing. Allele origin: germline. Observed: 3 variant alleles.
Comment: BP4

GeneDx
Classification: Uncertain significance. Last evaluated: 2025-09-17. Review status: criteria provided, single submitter. Criteria: GeneDx Variant Classification Process June 2021. Collection method: clinical testing. Allele origin: germline. Affected: yes.
Comment: In silico analysis suggests that this missense variant does not alter protein structure/function; Has not been previously published as pathogenic or benign to our knowledge

Ambry Genetics
Classification: Uncertain significance for Inborn genetic diseases. Last evaluated: 2025-04-05. Review status: criteria provided, single submitter. Criteria: Ambry Variant Classification Scheme 2023. Collection method: clinical testing. Allele origin: germline.

Women's Health and Genetics/Laboratory Corporation of America, LabCorp
Classification: Uncertain significance. Last evaluated: 2025-03-11. Review status: criteria provided, single submitter. Criteria: LabCorp Variant Classification Summary - May 2015. Collection method: clinical testing. Allele origin: germline.
Comment: Variant summary: PRX c.3209G>A (p.Arg1070Gln) results in a conservative amino acid change in the encoded protein sequence. Four of five in-silico tools predict a benign effect of the variant on protein function. The variant allele was found at a frequency of 0.00032 in 251332 control chromosomes. This frequency is not significantly higher than estimated for a pathogenic variant in PRX causing Charcot-Marie-Tooth disease type 4F (0.00032 vs 0.0011), allowing no conclusion about variant significance. c.3209G>A has been reported in the literature as a VUS in a setting of multigene testing in an individual affected with hereditary motor neuropathy, however no further genotype information was provided (Antoniadi_2015). This report does not provide unequivocal conclusions about association of the variant with Charcot-Marie-Tooth disease type 4F. The following publication has been ascertained in the context of this evaluation (PMID: 26392352). To our knowledge, no experimental evidence demonstrating an impact on protein function has been reported. ClinVar contains an entry for this variant (Variation ID: 329260). Based on the evidence outlined above, the variant was classified as uncertain significance.

Blueprint Genetics
Classification: Uncertain significance. Last evaluated: 2024-11-14. Review status: criteria provided, single submitter. Criteria: ACMG Guidelines, 2015. Collection method: clinical testing. Allele origin: germline.

Labcorp Genetics (formerly Invitae), Labcorp
Classification: Uncertain significance for Charcot-Marie-Tooth disease type 4. Last evaluated: 2022-10-17. Review status: criteria provided, single submitter. Criteria: Invitae Variant Classification Sherloc (09022015). Collection method: clinical testing. Allele origin: germline.
Comment: This sequence change replaces arginine, which is basic and polar, with glutamine, which is neutral and polar, at codon 1070 of the PRX protein (p.Arg1070Gln). This variant is present in population databases (rs146222815, gnomAD 0.05%). This missense change has been observed in individual(s) with hereditary motor neuropathy (PMID: 26392352). ClinVar contains an entry for this variant (Variation ID: 329260). Advanced modeling of protein sequence and biophysical properties (such as structural, functional, and spatial information, amino acid conservation, physicochemical variation, residue mobility, and thermodynamic stability) performed at Invitae indicates that this missense variant is not expected to disrupt PRX protein function. In summary, the available evidence is currently insufficient to determine the role of this variant in disease. Therefore, it has been classified as a Variant of Uncertain Significance.

Illumina Laboratory Services, Illumina
Classification: Uncertain significance for Charcot-Marie-Tooth disease type 4F. Last evaluated: 2018-01-12. Review status: criteria provided, single submitter. Criteria: ICSL Variant Classification Criteria 13 December 2019. Collection method: clinical testing. Allele origin: germline.

Athena Diagnostics
Classification: Uncertain significance. Last evaluated: 2017-06-27. Review status: criteria provided, single submitter. Criteria: Athena Diagnostics Criteria. Collection method: clinical testing. Allele origin: germline.

Literature cited by the submitters: PubMed 26392352 (cited by 3 submitters).

NM_181882.3(PRX):c.3209G>A (p.Arg1070Gln)

Gene: PRX (periaxin; minus strand). Cytogenetic location: 19q13.2.
Variant type: single nucleotide variant.
Coding change: c.3209G>A on transcript NM_181882.3 (MANE Select); coding-DNA position 3209, G replaced by A.
Protein change: p.Arg1070Gln; replaces arginine 1070 with glutamine.
Molecular consequence: missense variant. On other transcripts: 3 prime UTR variant (1).
Genome position (GRCh38, 1-based): chr19:40,395,143, C>T on the plus strand (G>A on the coding strand, the complement: PRX is on the minus strand). VCF-style: chr19-40395143-C-T. GRCh37 (hg19) VCF-style: chr19-40901050-C-T.
Other names: c.*3414G>A (NM_020956.2); short protein forms R1070Q.
Identifiers: ClinVar variation 329260 (VCV000329260.61), dbSNP rs146222815, ClinGen allele CA9443906.